The following is an entry in ClinVar:

ClinVar aggregate classification (germline): Uncertain significance. Review status: criteria provided, multiple submitters, no conflicts (2 of 4 stars). 2 submissions from 2 submitters: Uncertain significance (2). Last evaluated 2025-05-23.

Submissions (2):

GeneDx
Classification: Uncertain significance. Last evaluated: 2025-05-23. Review status: criteria provided, single submitter. Criteria: GeneDx Variant Classification Process June 2021. Collection method: clinical testing. Allele origin: germline. Affected: yes.
Comment: Not observed at significant frequency in large population cohorts (gnomAD); In silico analysis supports that this missense variant has a deleterious effect on protein structure/function; Has not been previously published as pathogenic or benign to our knowledge

CeGaT Center for Human Genetics Tuebingen
Classification: Uncertain significance. Last evaluated: 2024-07-01. Review status: criteria provided, single submitter. Criteria: CeGaT Center For Human Genetics Tuebingen Variant Classification Criteria Version 2. Collection method: clinical testing. Allele origin: germline. Affected: yes. Observed: 1 variant allele.
Comment: KMT2B: PM2

NM_014727.3(KMT2B):c.3977C>T (p.Pro1326Leu)

Gene: KMT2B (lysine methyltransferase 2B; plus strand). Cytogenetic location: 19q13.12.
Variant type: single nucleotide variant.
Coding change: c.3977C>T on transcript NM_014727.3 (MANE Select); coding-DNA position 3977, C replaced by T.
Protein change: p.Pro1326Leu; replaces proline 1326 with leucine.
Molecular consequence: missense variant.
Genome position (GRCh38, 1-based): chr19:35,726,327, C>T. VCF-style: chr19-35726327-C-T. GRCh37 (hg19) VCF-style: chr19-36217228-C-T.
Other names: c.3977C>T (NM_014727.2); short protein forms P1326L.
Identifiers: ClinVar variation 3257449 (VCV003257449.18).